The following is an entry in ClinVar:

NM_000443.4(ABCB4):c.834-66G>T

Gene: ABCB4 (ATP binding cassette subfamily B member 4; minus strand). Cytogenetic location: 7q21.12.
Variant type: single nucleotide variant.
Coding change: c.834-66G>T on transcript NM_000443.4 (MANE Select); 66 bases into the intron before coding-DNA position 834, G replaced by T.
Molecular consequence: intron variant.
Genome position (GRCh38, 1-based): chr7:87,447,271, C>A on the plus strand (G>T on the coding strand, the complement: ABCB4 is on the minus strand). VCF-style: chr7-87447271-C-A. GRCh37 (hg19) VCF-style: chr7-87076587-C-A.
Other names: c.834-66G>T (NM_018850.3, NM_018849.3).
Identifiers: ClinVar variation 1273976 (VCV001273976.3), dbSNP rs1014283, ClinGen allele CA12592312.
Genomic context (GRCh38, chr7:87,447,271, plus strand): 5'-AGAAAAATGAGAGGGAAAACATTATAATTAAGAATAACAATCCATAGTCCGAGTCACACT[C>A]GGCTCCTATATAGTTGGAGGTTTAAGTAACAAAGTCAGTCAAGGTAATGAACCCATGGTG-3'

ClinVar aggregate classification (germline): Benign. Review status: criteria provided, multiple submitters, no conflicts (2 of 4 stars). 3 submissions from 3 submitters: Benign (3). Last evaluated 2026-04-14.

Conditions:
Low phospholipid associated cholelithiasis (GBD1). Also called: Gallstone cholecystitis; Gallbladder disease 1. Identifiers: Orphanet 69663, MedGen C2609268, MONDO:0010939, OMIM 600803.
Familial intrahepatic cholestasis. Identifiers: Orphanet 284385, MedGen CN296401, MONDO:0017290.

Allele frequency attached by ClinVar (database versions not stated): TOPMed 0.28280; 1000 Genomes Project 0.31390; 1000 Genomes Project 30x 0.31871.
gnomAD v4.1: 302,812 of 1,495,652 alleles (20%); highest among the groups gnomAD compares: African/African-American, 50%; 34,754 homozygotes.

Submissions (3):

Genomenon, Inc
Classification: Benign for Familial intrahepatic cholestasis; Low phospholipid associated cholelithiasis. Last evaluated: 2026-04-14. Review status: criteria provided, single submitter. Criteria: Genomenon Sequence Variant Interpretation Standards - Updated. Collection method: curation. Allele origin: germline. Affected: no.
Comment: ABCB4 c.834-66G>T is an intronic variant located in intron 8. This variant is present at high allele frequency in population databases. We classify ABCB4 c.834-66G>T as a benign variant.

GeneDx
Classification: Benign. Last evaluated: 2018-06-29. Review status: criteria provided, single submitter. Criteria: GeneDx Variant Classification Process June 2021. Collection method: clinical testing. Allele origin: germline. Affected: yes.

Breakthrough Genomics
Classification: Benign. Review status: criteria provided, single submitter. Criteria: ACMG Guidelines, 2015. Collection method: not provided. Allele origin: germline. Inheritance: Autosomal recessive inheritance. Affected: yes.